The following is an entry in ClinVar:

NM_001378454.1(ALMS1):c.9161A>G (p.Lys3054Arg)

Gene: ALMS1 (ALMS1 centrosome and basal body associated protein; plus strand). Cytogenetic location: 2p13.1.
Variant type: single nucleotide variant.
Coding change: c.9161A>G on transcript NM_001378454.1 (MANE Select); coding-DNA position 9161, A replaced by G.
Protein change: p.Lys3054Arg; replaces lysine 3054 with arginine.
Molecular consequence: missense variant.
Genome position (GRCh38, 1-based): chr2:73,491,120, A>G. VCF-style: chr2-73491120-A-G. GRCh37 (hg19) VCF-style: chr2-73718247-A-G.
Other names: c.9164A>G, p.Lys3055Arg (NM_015120.4); short protein forms K3055R, K3054R.
Identifiers: ClinVar variation 972604 (VCV000972604.12), dbSNP rs778324244, ClinGen allele CA1714613.

ClinVar aggregate classification (germline): Uncertain significance. Review status: criteria provided, multiple submitters, no conflicts (2 of 4 stars). 3 submissions from 3 submitters: Uncertain significance (2). 1 of the submissions does not count toward it. Last evaluated 2022-01-06.

Conditions:
Cardiovascular phenotype. Identifiers: MedGen CN230736.
Alstrom syndrome (ALMS). Identifiers: Orphanet 64, MedGen C0268425, MONDO:0008763, OMIM 203800.

Allele frequency attached by ClinVar (database versions not stated): gnomAD 0.00001; gnomAD exomes 0.00001 and 0.00003; TOPMed 0.00001; ExAC 0.00003.
gnomAD v4.1: 16 of 1,614,060 alleles (0.00099%); highest among the groups gnomAD compares: Non-Finnish European, 0.0014%; no homozygotes.

Submissions (3):

Labcorp Genetics (formerly Invitae), Labcorp
Classification: Uncertain significance for Alstrom syndrome. Last evaluated: 2022-01-06. Review status: criteria provided, single submitter. Criteria: Invitae Variant Classification Sherloc (09022015). Collection method: clinical testing. Allele origin: germline.
Comment: This sequence change replaces lysine, which is basic and polar, with arginine, which is basic and polar, at codon 3055 of the ALMS1 protein (p.Lys3055Arg). This variant is present in population databases (rs778324244, gnomAD 0.005%). This variant has not been reported in the literature in individuals affected with ALMS1-related conditions. ClinVar contains an entry for this variant (Variation ID: 972604). In summary, the available evidence is currently insufficient to determine the role of this variant in disease. Therefore, it has been classified as a Variant of Uncertain Significance.

Ambry Genetics
Classification: Uncertain significance for Cardiovascular phenotype. Last evaluated: 2020-09-10. Review status: criteria provided, single submitter. Criteria: Ambry Variant Classification Scheme 2023. Collection method: clinical testing. Allele origin: germline.
Comment: The p.K3055R variant (also known as c.9164A>G), located in coding exon 10 of the ALMS1 gene, results from an A to G substitution at nucleotide position 9164. The lysine at codon 3055 is replaced by arginine, an amino acid with highly similar properties. This amino acid position is highly conserved in available vertebrate species. In addition, this alteration is predicted to be tolerated by in silico analysis. Since supporting evidence is limited at this time, the clinical significance of this alteration remains unclear.

Natera, Inc.
Classification: Uncertain significance for Alstrom syndrome. Last evaluated: 2020-04-23. Review status: no assertion criteria provided. Collection method: clinical testing. Allele origin: germline. Not counted in ClinVar's aggregate classification.